The following is an entry in ClinVar:

NM_024685.4(BBS10):c.598A>T (p.Lys200Ter)

Gene: BBS10 (Bardet-Biedl syndrome 10; minus strand). Cytogenetic location: 12q21.2.
Variant type: single nucleotide variant.
Coding change: c.598A>T on transcript NM_024685.4 (MANE Select); coding-DNA position 598, A replaced by T.
Protein change: p.Lys200Ter; replaces lysine 200 with a stop codon.
Molecular consequence: nonsense.
Genome position (GRCh38, 1-based): chr12:76,347,387, T>A on the plus strand (A>T on the coding strand, the complement: BBS10 is on the minus strand). VCF-style: chr12-76347387-T-A. GRCh37 (hg19) VCF-style: chr12-76741167-T-A.
Other names: short protein forms K200*.
Identifiers: ClinVar variation 837298 (VCV000837298.9), dbSNP rs1951767589, ClinGen allele CA385814827.

ClinVar aggregate classification (germline): Pathogenic (1 of 4 stars; one submission).

Conditions:
Bardet-Biedl syndrome (BBS). Identifiers: Orphanet 110, MedGen C0752166, MONDO:0015229.

Submission:

Labcorp Genetics (formerly Invitae), Labcorp
Classification: Pathogenic for Bardet-Biedl syndrome. Last evaluated: 2019-02-15. Review status: criteria provided, single submitter. Criteria: Invitae Variant Classification Sherloc (09022015). Collection method: clinical testing. Allele origin: germline.
Comment: For these reasons, this variant has been classified as Pathogenic. This variant disrupts the C-terminus of the BBS10 protein. Other variant that disrupts this region (p.Val707*) has been determined to be pathogenic (PMID: 25982971, 22773737, 27486776, 20472660). This suggests that variants that disrupt this region of the protein are likely to be causative of disease. Experimental studies and prediction algorithms are not available for this variant, and the functional significance of the affected amino acid(s) is currently unknown. This variant has not been reported in the literature in individuals with BBS10-related conditions. This variant is not present in population databases (ExAC no frequency). This sequence change results in a premature translational stop signal in the BBS10 gene (p.Lys200*). While this is not anticipated to result in nonsense mediated decay, it is expected to disrupt the last 524 amino acids of the BBS10 protein.

Literature cited by the submitters: PubMed 25982971; PubMed 22773737; PubMed 27486776; PubMed 20472660.